The following is an entry in ClinVar:

ClinVar aggregate classification (germline): Uncertain significance (1 of 4 stars; one submission).

gnomAD v4.1: 1 of 1,591,844 alleles (0.000063%); highest among the groups gnomAD compares: Non-Finnish European, 0.000085%; no homozygotes.

Submission:

Labcorp Genetics (formerly Invitae), Labcorp
Classification: Uncertain significance. Last evaluated: 2021-03-24. Review status: criteria provided, single submitter. Criteria: Invitae Variant Classification Sherloc (09022015). Collection method: clinical testing. Allele origin: germline.
Comment: This variant is not present in population databases (ExAC no frequency). In summary, the available evidence is currently insufficient to determine the role of this variant in disease. Therefore, it has been classified as a Variant of Uncertain Significance. Algorithms developed to predict the effect of missense changes on protein structure and function are either unavailable or do not agree on the potential impact of this missense change (SIFT: "Deleterious"; PolyPhen-2: "Probably Damaging"; Align-GVGD: "Class C0"). This variant has not been reported in the literature in individuals with CCDC88A-related conditions. This sequence change replaces glutamic acid with glutamine at codon 790 of the CCDC88A protein (p.Glu790Gln). The glutamic acid residue is highly conserved and there is a small physicochemical difference between glutamic acid and glutamine.

NM_001365480.1(CCDC88A):c.2368G>C (p.Glu790Gln)

Gene: CCDC88A (coiled-coil and HOOK domain protein 88A; minus strand). Cytogenetic location: 2p16.1.
Variant type: single nucleotide variant.
Coding change: c.2368G>C on transcript NM_001365480.1 (MANE Select); coding-DNA position 2368, G replaced by C.
Protein change: p.Glu790Gln; replaces glutamic acid 790 with glutamine.
Molecular consequence: missense variant.
Genome position (GRCh38, 1-based): chr2:55,334,453, C>G on the plus strand (G>C on the coding strand, the complement: CCDC88A is on the minus strand). VCF-style: chr2-55334453-C-G. GRCh37 (hg19) VCF-style: chr2-55561589-C-G.
Other names: c.2368G>C, p.Glu790Gln (NM_001135597.2, NM_001254943.2, NM_018084.5); short protein forms E790Q.
Identifiers: ClinVar variation 1463407 (VCV001463407.8), dbSNP rs769346255, ClinGen allele CA346899841.